The following is an entry in ClinVar:

ClinVar aggregate classification (germline): Uncertain significance. Review status: criteria provided, multiple submitters, no conflicts (2 of 4 stars). 2 submissions from 2 submitters: Uncertain significance (2). Last evaluated 2024-08-05.

Conditions:
Perry syndrome. Also called: PARKINSONISM WITH ALVEOLAR HYPOVENTILATION AND MENTAL DEPRESSION. Identifiers: Orphanet 178509, MedGen C1868594, MONDO:0008201, OMIM 168605.
Neuronopathy, distal hereditary motor, type 7B. Also called: HMN VIIB; LOWER MOTOR NEURON DISEASE, DYNACTIN TYPE; NEURONOPATHY, DISTAL HEREDITARY MOTOR, HARDING TYPE VIIB; NEUROPATHY, DISTAL HEREDITARY MOTOR, HARDING TYPE VIIB; NEUROPATHY, DISTAL HEREDITARY MOTOR, WITH VOCAL CORD PARALYSIS, HARDING TYPE VIIB; Distal Hereditary Motor Neuronopathy Type 7B (dHMN7B). Identifiers: Orphanet 139589, MedGen C1843315, MONDO:0011879, OMIM 607641.
Amyotrophic lateral sclerosis type 1 (ALS1). Also called: AMYOTROPHIC LATERAL SCLEROSIS 1, FAMILIAL. Identifiers: Orphanet 803, MedGen C1862939, MONDO:0007103, OMIM 105400.

Allele frequency attached by ClinVar (database versions not stated): gnomAD 0.00001; gnomAD exomes 0.00001.
gnomAD v4.1: 21 of 1,613,886 alleles (0.0013%); highest among the groups gnomAD compares: East Asian, 0.013%; no homozygotes.

Submissions (2):

Labcorp Genetics (formerly Invitae), Labcorp
Classification: Uncertain significance for Amyotrophic lateral sclerosis type 1; Neuronopathy, distal hereditary motor, type 7B; Perry syndrome. Last evaluated: 2024-08-05. Review status: criteria provided, single submitter. Criteria: Invitae Variant Classification Sherloc (09022015). Collection method: clinical testing. Allele origin: germline.
Comment: This sequence change replaces arginine, which is basic and polar, with cysteine, which is neutral and slightly polar, at codon 1150 of the DCTN1 protein (p.Arg1150Cys). This variant is not present in population databases (gnomAD no frequency). This variant has not been reported in the literature in individuals affected with DCTN1-related conditions. ClinVar contains an entry for this variant (Variation ID: 1362658). Advanced modeling of protein sequence and biophysical properties (such as structural, functional, and spatial information, amino acid conservation, physicochemical variation, residue mobility, and thermodynamic stability) performed at Invitae indicates that this missense variant is expected to disrupt DCTN1 protein function with a positive predictive value of 80%. In summary, the available evidence is currently insufficient to determine the role of this variant in disease. Therefore, it has been classified as a Variant of Uncertain Significance.

Department of Pathology and Laboratory Medicine, Sinai Health System
Classification: Uncertain significance for Amyotrophic lateral sclerosis type 1; Perry syndrome; Neuronopathy, distal hereditary motor, type 7B. Last evaluated: 2021-04-05. Review status: criteria provided, single submitter. Criteria: ACMG Guidelines, 2015. Collection method: research. Allele origin: germline.

NM_004082.5(DCTN1):c.3448C>T (p.Arg1150Cys)

Gene: DCTN1 (dynactin subunit 1; minus strand). Cytogenetic location: 2p13.1.
Variant type: single nucleotide variant.
Coding change: c.3448C>T on transcript NM_004082.5 (MANE Select); coding-DNA position 3448, C replaced by T.
Protein change: p.Arg1150Cys; replaces arginine 1150 with cysteine.
Molecular consequence: missense variant. On other transcripts: non-coding transcript variant (1).
Genome position (GRCh38, 1-based): chr2:74,363,075, G>A on the plus strand (C>T on the coding strand, the complement: DCTN1 is on the minus strand). VCF-style: chr2-74363075-G-A. GRCh37 (hg19) VCF-style: chr2-74590202-G-A.
Other names: c.3373C>T, p.Arg1125Cys (NM_001135040.3); c.3031C>T, p.Arg1011Cys (NM_001135041.3); c.3322C>T, p.Arg1108Cys (NM_001190836.2); c.3427C>T, p.Arg1143Cys (NM_001190837.2); c.3397C>T, p.Arg1133Cys (NM_001378991.1); c.3379C>T, p.Arg1127Cys (NM_001378992.1); c.3046C>T, p.Arg1016Cys (NM_023019.4); short protein forms R1127C, R1016C, R1108C, R1133C, R1150C, R1011C, R1125C, R1143C.
Identifiers: ClinVar variation 1362658 (VCV001362658.9), dbSNP rs1194029274, ClinGen allele CA347337217.